The following is an entry in ClinVar:

ClinVar aggregate classification (germline): Uncertain significance. Review status: criteria provided, multiple submitters, no conflicts (2 of 4 stars). 5 submissions from 5 submitters: Uncertain significance (5). Last evaluated 2025-12-11.

Conditions:
Inborn genetic diseases. Identifiers: MedGen C0950123, MeSH D030342.
Aicardi-Goutieres syndrome 6 (AGS6). Identifiers: Orphanet 51, MedGen C3539013, MONDO:0014007, OMIM 615010.
Symmetrical dyschromatosis of extremities (DSH). Also called: SYMMETRIC DYSCHROMATOSIS OF THE EXTREMITIES; Dyschromatosis symmetrica hereditaria; RETICULATE ACROPIGMENTATION OF DOHI; DYSCHROMATOSIS SYMMETRICA HEREDITARIA 1. Identifiers: Orphanet 41, MedGen C0406775, MONDO:0007483, OMIM 127400.

Allele frequency attached by ClinVar (database versions not stated): TOPMed 0.00014; 1000 Genomes Project 30x 0.00016.
gnomAD v4.1: 65 of 1,614,062 alleles (0.004%); highest among the groups gnomAD compares: South Asian, 0.037%; 2 homozygotes.

Submissions (5):

Ambry Genetics
Classification: Uncertain significance for Inborn genetic diseases. Last evaluated: 2025-12-11. Review status: criteria provided, single submitter. Criteria: Ambry Variant Classification Scheme 2023. Collection method: clinical testing. Allele origin: germline.

Labcorp Genetics (formerly Invitae), Labcorp
Classification: Uncertain significance for Aicardi-Goutieres syndrome 6; Symmetrical dyschromatosis of extremities. Last evaluated: 2025-09-21. Review status: criteria provided, single submitter. Criteria: Invitae Variant Classification Sherloc (09022015). Collection method: clinical testing. Allele origin: germline.
Comment: This sequence change replaces glutamic acid, which is acidic and polar, with lysine, which is basic and polar, at codon 631 of the ADAR protein (p.Glu631Lys). This variant is present in population databases (rs756241513, gnomAD 0.03%). This variant has not been reported in the literature in individuals affected with ADAR-related conditions. ClinVar contains an entry for this variant (Variation ID: 1498766). Invitae Evidence Modeling of protein sequence and biophysical properties (such as structural, functional, and spatial information, amino acid conservation, physicochemical variation, residue mobility, and thermodynamic stability) has been performed for this missense variant. However, the output from this modeling did not meet the statistical confidence thresholds required to predict the impact of this variant on ADAR protein function. In summary, the available evidence is currently insufficient to determine the role of this variant in disease. Therefore, it has been classified as a Variant of Uncertain Significance.

GeneDx
Classification: Uncertain significance. Last evaluated: 2023-07-26. Review status: criteria provided, single submitter. Criteria: GeneDx Variant Classification Process June 2021. Collection method: clinical testing. Allele origin: germline. Affected: yes.
Comment: In silico analysis supports that this missense variant does not alter protein structure/function; Has not been previously published as pathogenic or benign to our knowledge

Genome-Nilou Lab
Classification: Uncertain significance for Aicardi-Goutieres syndrome 6. Last evaluated: 2023-04-11. Review status: criteria provided, single submitter. Criteria: ACMG Guidelines, 2015. Collection method: clinical testing. Allele origin: germline. Affected: no.

Revvity Omics, Revvity
Classification: Uncertain significance. Last evaluated: 2022-11-22. Review status: criteria provided, single submitter. Criteria: ACMG Guidelines, 2015. Collection method: clinical testing. Allele origin: germline.

NM_001111.5(ADAR):c.1891G>A (p.Glu631Lys)

Gene: ADAR (adenosine deaminase RNA specific; minus strand). Cytogenetic location: 1q21.3.
Variant type: single nucleotide variant.
Coding change: c.1891G>A on transcript NM_001111.5 (MANE Select); coding-DNA position 1891, G replaced by A.
Protein change: p.Glu631Lys; replaces glutamic acid 631 with lysine.
Molecular consequence: missense variant.
Genome position (GRCh38, 1-based): chr1:154,597,871, C>T on the plus strand (G>A on the coding strand, the complement: ADAR is on the minus strand). VCF-style: chr1-154597871-C-T. GRCh37 (hg19) VCF-style: chr1-154570347-C-T.
Other names: c.1006G>A, p.Glu336Lys (NM_001025107.3, NM_001193495.2, NM_001365046.1 and 3 more transcripts); c.1918G>A, p.Glu640Lys (NM_001365045.1); c.1891G>A, p.Glu631Lys (NM_015840.4, NM_015841.4); c.1891G>A (NM_001111.4); short protein forms E640K, E336K, E631K.
Identifiers: ClinVar variation 1498766 (VCV001498766.13), dbSNP rs756241513, ClinGen allele CA1131434.
Genomic context (GRCh38, chr1:154,597,871, plus strand): 5'-GGACACGTAGGACATACTTGGGTTCATGGGCAGGGCCTTCTTTGGACAGGAGACGGAATT[C>T]GCAGGAGTTCCCCAATTTGTGCATACACTCAAGCAGTGTGGTGACGGGGCTCTTCCCAGA-3'
Protein context (NP_001102.3, residues 621-641): ECMHKLGNSC[Glu631Lys]FRLLSKEGPA